The following is an entry in ClinVar:

ClinVar aggregate classification (germline): Pathogenic/Likely pathogenic. Review status: criteria provided, multiple submitters, no conflicts (2 of 4 stars). 2 submissions from 2 submitters: Pathogenic (1); Likely pathogenic (1). Last evaluated 2024-05-06.

Conditions:
Carpenter syndrome. Identifiers: Orphanet 65759, MedGen C1275078, MONDO:0019012.
RAB23-related Carpenter syndrome. Also called: Carpenter syndrome 1; ACPS II. Identifiers: Orphanet 65759, MedGen C4551510, MONDO:0008710, OMIM 201000.

Submissions (2):

Natera, Inc.
Classification: Likely pathogenic for Carpenter syndrome 1. Last evaluated: 2024-05-06. Review status: criteria provided, single submitter. Criteria: Natera Variant Classification Schema (03/2026). Collection method: clinical testing. Allele origin: germline.
Comment: The c.5delT variant in RAB23 is a frameshift variant predicted to shift the reading frame beginning at codon 2 and leads to a stop codon 9 codons downstream. This variant is expected to result in nonsense mediated decay, truncation, or a dysfunctional protein product. This variant is rare in the general population with a frequency below the threshold expected for the associated phenotype(s). Given the available evidence, this variant is classified as Likely Pathogenic.

Labcorp Genetics (formerly Invitae), Labcorp
Classification: Pathogenic for Carpenter syndrome. Last evaluated: 2022-05-27. Review status: criteria provided, single submitter. Criteria: Invitae Variant Classification Sherloc (09022015). Collection method: clinical testing. Allele origin: germline.
Comment: For these reasons, this variant has been classified as Pathogenic. ClinVar contains an entry for this variant (Variation ID: 664887). This variant has not been reported in the literature in individuals affected with RAB23-related conditions. This variant is not present in population databases (gnomAD no frequency). This sequence change creates a premature translational stop signal (p.Leu2Trpfs*9) in the RAB23 gene. It is expected to result in an absent or disrupted protein product. Loss-of-function variants in RAB23 are known to be pathogenic (PMID: 17503333, 21412941).

Literature cited by the submitters: PubMed 17503333 (cited by Labcorp Genetics (formerly Invitae), Labcorp); PubMed 21412941 (cited by Labcorp Genetics (formerly Invitae), Labcorp).

NM_016277.5(RAB23):c.5del (p.Leu2fs)

Gene: RAB23 (RAB23, member RAS oncogene family; minus strand). Cytogenetic location: 6p11.2.
Variant type: Deletion.
Coding change: c.5del on transcript NM_016277.5 (MANE Select); coding-DNA position 5, one base deleted (T; older notation c.5delT).
Protein change: p.Leu2fs; shifts the reading frame from leucine 2.
Molecular consequence: frameshift variant. On other transcripts: non-coding transcript variant (1).
Genome position (GRCh38, 1-based): chr6:57,210,376, A deleted on the plus strand (T on the coding strand, the reverse complement: RAB23 is on the minus strand); the first of 2 consecutive A bases (chr6:57,210,376-57,210,377); deleting either gives the same sequence. VCF-style (leftmost placement, unchanged base first): chr6-57210375-CA-C. GRCh37 (hg19) VCF-style: chr6-57075173-CA-C.
Other names: c.5delT (NM_183227.2); c.5del, p.Leu2fs (NM_001278666.2, NM_001278667.2, NM_001278668.2 and 1 more transcripts); short protein forms L2fs.
Identifiers: ClinVar variation 664887 (VCV000664887.6), dbSNP rs1593223920, ClinGen allele CA915944309.